The following is an entry in ClinVar:

ClinVar aggregate classification (germline): Uncertain significance (1 of 4 stars; one submission).

gnomAD v4.1: 14 of 1,604,618 alleles (0.00087%); highest among the groups gnomAD compares: Admixed American, 0.0034%; no homozygotes.

Submission:

Labcorp Genetics (formerly Invitae), Labcorp
Classification: Uncertain significance. Last evaluated: 2025-10-19. Review status: criteria provided, single submitter. Criteria: Invitae Variant Classification Sherloc (09022015). Collection method: clinical testing. Allele origin: germline.
Comment: This sequence change falls in intron 3 of the LIPC gene. It does not directly change the encoded amino acid sequence of the LIPC protein. It affects a nucleotide within the consensus splice site. The frequency data for this variant in the population databases is considered unreliable, as metrics indicate poor data quality at this position in the gnomAD database. This variant has not been reported in the literature in individuals affected with LIPC-related conditions. Variants that disrupt the consensus splice site are a relatively common cause of aberrant splicing (PMID: 17576681, 9536098). Algorithms developed to predict the effect of sequence changes on RNA splicing suggest that this variant is not likely to affect RNA splicing. In summary, the available evidence is currently insufficient to determine the role of this variant in disease. Therefore, it has been classified as a Variant of Uncertain Significance.

Literature cited by the submitters: PubMed 17576681; PubMed 9536098.

NM_000236.3(LIPC):c.456+6G>A

Gene: LIPC (lipase C, hepatic type; plus strand). Cytogenetic location: 15q21.3.
Variant type: single nucleotide variant.
Coding change: c.456+6G>A on transcript NM_000236.3 (MANE Select); 6 bases into the intron after coding-DNA position 456, G replaced by A.
Molecular consequence: intron variant.
Genome position (GRCh38, 1-based): chr15:58,541,973, G>A. VCF-style: chr15-58541973-G-A. GRCh37 (hg19) VCF-style: chr15-58834172-G-A.
Identifiers: ClinVar variation 4698038 (VCV004698038.1).